The following is an entry in ClinVar:

ClinVar aggregate classification (germline): Uncertain significance. Review status: criteria provided, multiple submitters, no conflicts (2 of 4 stars). 5 submissions from 5 submitters: Uncertain significance (5). Last evaluated 2025-02-28.

Conditions:
Autosomal dominant nonsyndromic hearing loss 25. Identifiers: Orphanet 90635, MedGen C1854158, MONDO:0011568, OMIM 605583.
Inborn genetic diseases. Identifiers: MedGen C0950123, MeSH D030342.

Allele frequency attached by ClinVar (database versions not stated): TOPMed 0.00003; gnomAD 0.00004; gnomAD exomes 0.00006 and 0.00011; ExAC 0.00007; ESP Exome Variant Server 0.00008.
gnomAD v4.1: 160 of 1,613,986 alleles (0.0099%); highest among the groups gnomAD compares: Non-Finnish European, 0.013%; no homozygotes.

Submissions (5):

GeneDx
Classification: Uncertain significance. Last evaluated: 2025-02-28. Review status: criteria provided, single submitter. Criteria: GeneDx Variant Classification Process June 2021. Collection method: clinical testing. Allele origin: germline. Affected: yes.
Comment: In silico analysis supports that this missense variant has a deleterious effect on protein structure/function; Has not been previously published as pathogenic or benign to our knowledge

Women's Health and Genetics/Laboratory Corporation of America, LabCorp
Classification: Uncertain significance. Last evaluated: 2024-11-01. Review status: criteria provided, single submitter. Criteria: LabCorp Variant Classification Summary - May 2015. Collection method: clinical testing. Allele origin: germline.
Comment: Variant summary: SLC17A8 c.638C>G (p.Pro213Arg) results in a non-conservative amino acid change located in the Major facilitator superfamily domain (IPR020846) of the encoded protein sequence. Five of five in-silico tools predict a damaging effect of the variant on protein function. The variant allele was found at a frequency of 6e-05 in 251406 control chromosomes (gnomAD). This frequency is not significantly higher than estimated for a pathogenic variant in SLC17A8 causing Autosomal Dominant Nonsyndromic Hearing Loss 25, allowing no conclusion about variant significance. To our knowledge, no occurrence of c.638C>G in individuals affected with Autosomal Dominant Nonsyndromic Hearing Loss 25 and no experimental evidence demonstrating its impact on protein function have been reported. ClinVar contains an entry for this variant (Variation ID: 306627). Based on the evidence outlined above, the variant was classified as uncertain significance.

Ambry Genetics
Classification: Uncertain significance for Inborn genetic diseases. Last evaluated: 2024-10-06. Review status: criteria provided, single submitter. Criteria: Ambry Variant Classification Scheme 2023. Collection method: clinical testing. Allele origin: germline.

Eurofins Ntd Llc (ga)
Classification: Uncertain significance. Last evaluated: 2018-07-05. Review status: criteria provided, single submitter. Criteria: EGL ClinVar v180209 classification definitions. Collection method: clinical testing. Allele origin: germline. Observed: 1 variant allele, 1 heterozygote.

Illumina Laboratory Services, Illumina
Classification: Uncertain significance for Autosomal dominant nonsyndromic hearing loss 25. Last evaluated: 2018-01-12. Review status: criteria provided, single submitter. Criteria: ICSL Variant Classification Criteria 13 December 2019. Collection method: clinical testing. Allele origin: germline.

NM_139319.3(SLC17A8):c.638C>G (p.Pro213Arg)

Gene: SLC17A8 (solute carrier family 17 member 8; plus strand). Cytogenetic location: 12q23.1.
Variant type: single nucleotide variant.
Coding change: c.638C>G on transcript NM_139319.3 (MANE Select); coding-DNA position 638, C replaced by G.
Protein change: p.Pro213Arg; replaces proline 213 with arginine.
Molecular consequence: missense variant.
Genome position (GRCh38, 1-based): chr12:100,396,379, C>G. VCF-style: chr12-100396379-C-G. GRCh37 (hg19) VCF-style: chr12-100790157-C-G.
Other names: c.638C>G, p.Pro213Arg (NM_001145288.2); short protein forms P213R.
Identifiers: ClinVar variation 306627 (VCV000306627.14), dbSNP rs369209552, ClinGen allele CA6738804.